The following is an entry in ClinVar:

ClinVar aggregate classification (germline): Uncertain significance (1 of 4 stars; one submission).

Submission:

Labcorp Genetics (formerly Invitae), Labcorp
Classification: Uncertain significance. Last evaluated: 2022-06-19. Review status: criteria provided, single submitter. Criteria: Invitae Variant Classification Sherloc (09022015). Collection method: clinical testing. Allele origin: germline.
Comment: In summary, the available evidence is currently insufficient to determine the role of this variant in disease. Therefore, it has been classified as a Variant of Uncertain Significance. Algorithms developed to predict the effect of missense changes on protein structure and function (SIFT, PolyPhen-2, Align-GVGD) all suggest that this variant is likely to be disruptive. This variant has not been reported in the literature in individuals affected with ROM1-related conditions. This variant is not present in population databases (gnomAD no frequency). This sequence change replaces cysteine, which is neutral and slightly polar, with tyrosine, which is neutral and polar, at codon 153 of the ROM1 protein (p.Cys153Tyr).

NM_000327.4(ROM1):c.458G>A (p.Cys153Tyr)

Gene: ROM1 (retinal outer segment membrane protein 1; plus strand). Cytogenetic location: 11q12.3.
Variant type: single nucleotide variant.
Coding change: c.458G>A on transcript NM_000327.4 (MANE Select); coding-DNA position 458, G replaced by A.
Protein change: p.Cys153Tyr; replaces cysteine 153 with tyrosine.
Molecular consequence: missense variant.
Genome position (GRCh38, 1-based): chr11:62,613,739, G>A. VCF-style: chr11-62613739-G-A. GRCh37 (hg19) VCF-style: chr11-62381211-G-A.
Other names: short protein forms C153Y.
Identifiers: ClinVar variation 2091414 (VCV002091414.4), dbSNP rs1387719639, ClinGen allele CA380969890.